The following is an entry in ClinVar:

ClinVar aggregate classification (germline): Conflicting classifications of pathogenicity. Review status: criteria provided, conflicting classifications (1 of 4 stars). 3 submissions from 3 submitters: Uncertain significance (1); Benign (1); Likely benign (1). Last evaluated 2026-01-12.

Conditions:
Cataract 19 multiple types. Also called: CATARACT 19, CORTICAL PULVERULENT; CATARACT 19, CONGENITAL TOTAL. Identifiers: Orphanet 91492, MedGen C3809004, MONDO:0014111, OMIM 615277.

Allele frequency attached by ClinVar (database versions not stated): TOPMed 0.00852; ESP Exome Variant Server 0.00892; 1000 Genomes Project 30x 0.01062.
gnomAD v4.1: 2,272 of 1,613,538 alleles (0.14%); highest among the groups gnomAD compares: African/African-American, 2.7%; 39 homozygotes.

Submissions (3):

Labcorp Genetics (formerly Invitae), Labcorp
Classification: Benign for Cataract 19 multiple types. Last evaluated: 2026-01-12. Review status: criteria provided, single submitter. Criteria: Invitae Variant Classification Sherloc (09022015). Collection method: clinical testing. Allele origin: germline.

GeneDx
Classification: Likely benign. Last evaluated: 2022-10-12. Review status: criteria provided, single submitter. Criteria: GeneDx Variant Classification Process June 2021. Collection method: clinical testing. Allele origin: germline. Affected: yes.
Comment: See Variant Classification Assertion Criteria.

Illumina Laboratory Services, Illumina
Classification: Uncertain significance for Cataract 19 multiple types. Last evaluated: 2018-01-12. Review status: criteria provided, single submitter. Criteria: ICSL Variant Classification Criteria 13 December 2019. Collection method: clinical testing. Allele origin: germline.

NM_001161748.2(LIM2):c.337G>A (p.Val113Met)

Gene: LIM2 (lens intrinsic membrane protein 2; minus strand). Cytogenetic location: 19q13.41.
Variant type: single nucleotide variant.
Coding change: c.337G>A on transcript NM_001161748.2 (MANE Select); coding-DNA position 337, G replaced by A.
Protein change: p.Val113Met; replaces valine 113 with methionine.
Molecular consequence: missense variant.
Genome position (GRCh38, 1-based): chr19:51,380,628, C>T on the plus strand (G>A on the coding strand, the complement: LIM2 is on the minus strand). VCF-style: chr19-51380628-C-T. GRCh37 (hg19) VCF-style: chr19-51883882-C-T.
Other names: c.463G>A, p.Val155Met (NM_030657.4); short protein forms V155M, V113M.
Identifiers: ClinVar variation 329971 (VCV000329971.17), dbSNP rs73934370, ClinGen allele CA9611500.